The following is an entry in ClinVar:

NM_020949.3(SLC7A14):c.2282T>C (p.Ile761Thr)

Gene: SLC7A14 (solute carrier family 7 member 14; minus strand). Cytogenetic location: 3q26.2.
Variant type: single nucleotide variant.
Coding change: c.2282T>C on transcript NM_020949.3 (MANE Select); coding-DNA position 2282, T replaced by C.
Protein change: p.Ile761Thr; replaces isoleucine 761 with threonine.
Molecular consequence: missense variant.
Genome position (GRCh38, 1-based): chr3:170,467,089, A>G on the plus strand (T>C on the coding strand, the complement: SLC7A14 is on the minus strand). VCF-style: chr3-170467089-A-G. GRCh37 (hg19) VCF-style: chr3-170184877-A-G.
Other names: short protein forms I761T.
Identifiers: ClinVar variation 943557 (VCV000943557.11), dbSNP rs778261436, ClinGen allele CA2701466.

ClinVar aggregate classification (germline): Uncertain significance. Review status: criteria provided, multiple submitters, no conflicts (2 of 4 stars). 3 submissions from 3 submitters: Uncertain significance (3). Last evaluated 2024-11-13.

Conditions:
Retinal dystrophy. Also called: Inherited retinal dystrophy. Identifiers: Orphanet 71862, MedGen C0854723, MeSH D058499, MONDO:0019118, HP:0000556.

Allele frequency attached by ClinVar (database versions not stated): gnomAD 0.00001; TOPMed 0.00001; ExAC 0.00002; gnomAD exomes 0.00003.
gnomAD v4.1: 45 of 1,613,292 alleles (0.0028%); highest among the groups gnomAD compares: East Asian, 0.0067%; no homozygotes.

Submissions (3):

Labcorp Genetics (formerly Invitae), Labcorp
Classification: Uncertain significance. Last evaluated: 2024-11-13. Review status: criteria provided, single submitter. Criteria: Invitae Variant Classification Sherloc (09022015). Collection method: clinical testing. Allele origin: germline.
Comment: This sequence change replaces isoleucine, which is neutral and non-polar, with threonine, which is neutral and polar, at codon 761 of the SLC7A14 protein (p.Ile761Thr). This variant is present in population databases (rs778261436, gnomAD 0.006%). This variant has not been reported in the literature in individuals affected with SLC7A14-related conditions. ClinVar contains an entry for this variant (Variation ID: 943557). An algorithm developed to predict the effect of missense changes on protein structure and function (PolyPhen-2) suggests that this variant is likely to be disruptive. In summary, the available evidence is currently insufficient to determine the role of this variant in disease. Therefore, it has been classified as a Variant of Uncertain Significance.

Dept Of Ophthalmology, Nagoya University
Classification: Uncertain significance for Retinal dystrophy. Last evaluated: 2023-10-01. Review status: criteria provided, single submitter. Criteria: Submitter's publication. Collection method: research. Allele origin: germline. Affected: yes.

Ambry Genetics
Classification: Uncertain significance. Last evaluated: 2021-10-06. Review status: criteria provided, single submitter. Criteria: Ambry Variant Classification Scheme 2023. Collection method: clinical testing. Allele origin: germline.